The following is an entry in ClinVar:

ClinVar aggregate classification (germline): Conflicting classifications of pathogenicity. Review status: criteria provided, conflicting classifications (1 of 4 stars). 4 submissions from 4 submitters: Uncertain significance (3); Likely benign (1). Last evaluated 2025-10-07.

Conditions:
Cardiovascular phenotype. Identifiers: MedGen CN230736.
Myofibrillar myopathy 5. Also called: Filaminopathy (type); FILAMINOPATHY, AUTOSOMAL DOMINANT. Identifiers: Orphanet 171445, MedGen C1836050, MONDO:0012289, OMIM 609524.
Hypertrophic cardiomyopathy 26. Also called: Cardiomyopathy, familial hypertrophic, 26. Identifiers: Orphanet 75249, MedGen C4310749, MONDO:0014883, OMIM 617047.
Distal myopathy with posterior leg and anterior hand involvement. Also called: WILLIAMS DISTAL MYOPATHY. Identifiers: Orphanet 63273, MedGen C3279722, MONDO:0013550, OMIM 614065.
Cardiomyopathy (CMYO). Also called: Cardiomyopathies. Identifiers: Orphanet 167848, MedGen C0878544, MONDO:0004994, HP:0001638. Inheritance: Various modes of inheritance.

Allele frequency attached by ClinVar (database versions not stated): gnomAD exomes 0.00001; TOPMed 0.00002; gnomAD 0.00004 and 0.00005.

Submissions (4):

Labcorp Genetics (formerly Invitae), Labcorp
Classification: Likely benign for Distal myopathy with posterior leg and anterior hand involvement; Myofibrillar myopathy 5; Hypertrophic cardiomyopathy 26. Last evaluated: 2025-10-07. Review status: criteria provided, single submitter. Criteria: Invitae Variant Classification Sherloc (09022015). Collection method: clinical testing. Allele origin: germline.

Ambry Genetics
Classification: Uncertain significance for Cardiovascular phenotype. Last evaluated: 2025-03-24. Review status: criteria provided, single submitter. Criteria: Ambry Variant Classification Scheme 2023. Collection method: clinical testing. Allele origin: germline.
Comment: The p.R2018C variant (also known as c.6052C>T), located in coding exon 37 of the FLNC gene, results from a C to T substitution at nucleotide position 6052. The arginine at codon 2018 is replaced by cysteine, an amino acid with highly dissimilar properties. This amino acid position is not well conserved in available vertebrate species. In addition, this alteration is predicted to be tolerated by in silico analysis. Based on the available evidence, the clinical significance of this variant remains unclear.

KardioGenetik, Herz- und Diabeteszentrum NRW
Classification: Uncertain significance for Hypertrophic cardiomyopathy 26. Last evaluated: 2024-08-27. Review status: criteria provided, single submitter. Criteria: ACMG Guidelines, 2015. Collection method: clinical testing. Allele origin: unknown. Observed: 1 variant allele.
Comment: BP4, PM2

CHEO Genetics Diagnostic Laboratory, Children's Hospital of Eastern Ontario
Classification: Uncertain significance for Cardiomyopathy. Last evaluated: 2023-05-26. Review status: criteria provided, single submitter. Criteria: ACMG Guidelines, 2015. Collection method: clinical testing. Allele origin: germline.

NM_001458.5(FLNC):c.6052C>T (p.Arg2018Cys)

Genes: FLNC-AS1 (FLNC antisense RNA 1; minus strand), FLNC (filamin C; plus strand). Cytogenetic location: 7q32.1.
Variant type: single nucleotide variant.
Coding change: c.6052C>T on transcript NM_001458.5 (MANE Select); coding-DNA position 6052, C replaced by T.
Protein change: p.Arg2018Cys; replaces arginine 2018 with cysteine.
Molecular consequence: missense variant.
Genome position (GRCh38, 1-based): chr7:128,852,875, C>T. VCF-style: chr7-128852875-C-T. GRCh37 (hg19) VCF-style: chr7-128492929-C-T.
Other names: c.5953C>T, p.Arg1985Cys (NM_001127487.2); short protein forms R1985C, R2018C.
Identifiers: ClinVar variation 645575 (VCV000645575.14), dbSNP rs1335627502, ClinGen allele CA369211072.